The following is an entry in ClinVar:

NM_052876.4(NACC1):c.1201C>T (p.Arg401Trp)

Gene: NACC1 (nucleus accumbens associated 1; plus strand). Cytogenetic location: 19p13.13.
Variant type: single nucleotide variant.
Coding change: c.1201C>T on transcript NM_052876.4 (MANE Select); coding-DNA position 1201, C replaced by T.
Protein change: p.Arg401Trp; replaces arginine 401 with tryptophan.
Molecular consequence: missense variant.
Genome position (GRCh38, 1-based): chr19:13,137,351, C>T. VCF-style: chr19-13137351-C-T. GRCh37 (hg19) VCF-style: chr19-13248165-C-T.
Other names: short protein forms R401W.
Identifiers: ClinVar variation 3340994 (VCV003340994.2).
Genomic context (GRCh38, chr19:13,137,351, plus strand): 5'-AGGGCGCAGCTGATGAACTGCCACGTCAGCGCAGGCACGCGGCACAAGGTCCTACTGCGG[C>T]GGCTCCTGGCCTCCTTCTTTGACCGGTAAGGCCCTTGCCAGAGCCCCAGGGAGGGGGGTG-3'
Protein context (NP_443108.1, residues 391-411): AGTRHKVLLR[Arg401Trp]LLASFFDRNT

ClinVar aggregate classification (germline): Pathogenic (1 of 4 stars; one submission).

Submission:

GeneDx
Classification: Pathogenic. Last evaluated: 2026-02-11. Review status: criteria provided, single submitter. Criteria: GeneDx Variant Classification Process June 2021. Collection method: clinical testing. Allele origin: germline.
Comment: Not observed at significant frequency in large population cohorts (gnomAD); In silico analysis supports that this missense variant has a deleterious effect on protein structure/function; Has not been previously published as pathogenic or benign to our knowledge